The following is an entry in ClinVar:

ClinVar aggregate classification (germline): Uncertain significance (1 of 4 stars; one submission).

gnomAD v4.1: 4 of 1,613,896 alleles (0.00025%); highest among the groups gnomAD compares: African/African-American, 0.0027%; no homozygotes.

Submission:

Labcorp Genetics (formerly Invitae), Labcorp
Classification: Uncertain significance. Last evaluated: 2024-02-24. Review status: criteria provided, single submitter. Criteria: Invitae Variant Classification Sherloc (09022015). Collection method: clinical testing. Allele origin: germline.
Comment: This sequence change replaces glycine, which is neutral and non-polar, with aspartic acid, which is acidic and polar, at codon 260 of the ASNS protein (p.Gly260Asp). This variant is not present in population databases (gnomAD no frequency). This variant has not been reported in the literature in individuals affected with ASNS-related conditions. Advanced modeling of protein sequence and biophysical properties (such as structural, functional, and spatial information, amino acid conservation, physicochemical variation, residue mobility, and thermodynamic stability) performed at Invitae indicates that this missense variant is expected to disrupt ASNS protein function with a positive predictive value of 80%. In summary, the available evidence is currently insufficient to determine the role of this variant in disease. Therefore, it has been classified as a Variant of Uncertain Significance.

NM_001673.5(ASNS):c.779G>A (p.Gly260Asp)

Genes: ASNS (asparagine synthetase (glutamine-hydrolyzing); minus strand), CZ1P-ASNS (CZ1P-ASNS readthrough; minus strand). Cytogenetic location: 7q21.3.
Variant type: single nucleotide variant.
Coding change: c.779G>A on transcript NM_001673.5 (MANE Select); coding-DNA position 779, G replaced by A.
Protein change: p.Gly260Asp; replaces glycine 260 with aspartic acid.
Molecular consequence: missense variant. On other transcripts: non-coding transcript variant (1).
Genome position (GRCh38, 1-based): chr7:97,858,402, C>T on the plus strand (G>A on the coding strand, the complement: ASNS is on the minus strand). VCF-style: chr7-97858402-C-T. GRCh37 (hg19) VCF-style: chr7-97487714-C-T.
Other names: c.779G>A, p.Gly260Asp (NM_001352496.2, NM_133436.3, NM_183356.4); c.716G>A, p.Gly239Asp (NM_001178075.2); c.530G>A, p.Gly177Asp (NM_001178076.2, NM_001178077.1); short protein forms G177D, G239D, G260D.
Identifiers: ClinVar variation 3612283 (VCV003612283.2).